The following is an entry in ClinVar:

NM_004104.5(FASN):c.6595G>A (p.Glu2199Lys)

Gene: FASN (fatty acid synthase; minus strand). Cytogenetic location: 17q25.3.
Variant type: single nucleotide variant.
Coding change: c.6595G>A on transcript NM_004104.5 (MANE Select); coding-DNA position 6595, G replaced by A.
Protein change: p.Glu2199Lys; replaces glutamic acid 2199 with lysine.
Molecular consequence: missense variant.
Genome position (GRCh38, 1-based): chr17:82,081,164, C>T on the plus strand (G>A on the coding strand, the complement: FASN is on the minus strand). VCF-style: chr17-82081164-C-T. GRCh37 (hg19) VCF-style: chr17-80039040-C-T.
Other names: short protein forms E2199K.
Identifiers: ClinVar variation 1020735 (VCV001020735.9), dbSNP rs747906170, ClinGen allele CA8851261.

ClinVar aggregate classification (germline): Uncertain significance (1 of 4 stars; one submission).

Conditions:
Epileptic encephalopathy. Identifiers: MedGen C0543888, HP:0200134.

Allele frequency attached by ClinVar (database versions not stated): TOPMed 0.00001; ExAC 0.00002.
gnomAD v4.1: 26 of 1,579,496 alleles (0.0016%); highest among the groups gnomAD compares: East Asian, 0.0023%; no homozygotes.

Submissions (2):

Labcorp Genetics (formerly Invitae), Labcorp
Classification: Uncertain significance for Epileptic encephalopathy. Last evaluated: 2020-10-08. Review status: criteria provided, single submitter. Criteria: Invitae Variant Classification Sherloc (09022015). Collection method: clinical testing. Allele origin: germline.
Comment: In summary, the available evidence is currently insufficient to determine the role of this variant in disease. Therefore, it has been classified as a Variant of Uncertain Significance. Algorithms developed to predict the effect of sequence changes on RNA splicing suggest that this variant may disrupt the consensus splice site, but this prediction has not been confirmed by published transcriptional studies. Algorithms developed to predict the effect of missense changes on protein structure and function output the following: SIFT: "Tolerated"; PolyPhen-2: "Benign"; Align-GVGD: "Class C0". The lysine amino acid residue is found in multiple mammalian species, suggesting that this missense change does not adversely affect protein function. These predictions have not been confirmed by published functional studies and their clinical significance is uncertain. This variant has not been reported in the literature in individuals with FASN-related conditions. This variant is present in population databases (rs747906170, ExAC 0.004%). This sequence change replaces glutamic acid with lysine at codon 2199 of the FASN protein (p.Glu2199Lys). The glutamic acid residue is weakly conserved and there is a small physicochemical difference between glutamic acid and lysine.

Dr. Peter K. Rogan Lab, Western University
No classification provided (evidence only). Condition: Colon adenocarcinoma. Review status: no classification provided. Collection method: in vitro. Allele origin: not applicable. Functional consequence: skipped exon. Not counted in ClinVar's aggregate classification.